The following is an entry in ClinVar:

NM_001040108.2(MLH3):c.2138del (p.Thr713fs)

Gene: MLH3 (mutL homolog 3; minus strand). Cytogenetic location: 14q24.3.
Variant type: Deletion.
Coding change: c.2138del on transcript NM_001040108.2 (MANE Select); coding-DNA position 2138, one base deleted (C; older notation c.2138delC).
Protein change: p.Thr713fs; shifts the reading frame from threonine 713.
Molecular consequence: frameshift variant.
Genome position (GRCh38, 1-based): chr14:75,047,518, G deleted on the plus strand (C on the coding strand, the reverse complement: MLH3 is on the minus strand). VCF-style (leftmost placement, unchanged base first): chr14-75047517-TG-T. GRCh37 (hg19) VCF-style: chr14-75514220-TG-T.
Other names: c.2138delC (NM_001040108.1); c.2138del, p.Thr713fs (NM_014381.3); short protein forms T713fs.
Identifiers: ClinVar variation 412520 (VCV000412520.11), dbSNP rs774749587, ClinGen allele CA7275755.

ClinVar aggregate classification (germline): Conflicting classifications of pathogenicity. Review status: criteria provided, conflicting classifications (1 of 4 stars). 2 submissions from 2 submitters: Pathogenic (1); Uncertain significance (1). Last evaluated 2026-05-22.

Conditions:
Colorectal cancer, hereditary nonpolyposis, type 7. Identifiers: Orphanet 144, MedGen C1858380, MONDO:0013725, OMIM 614385.

Allele frequency attached by ClinVar (database versions not stated): gnomAD 0.00001; ExAC 0.00002; gnomAD exomes 0.00004 and 0.00002; TOPMed 0.00001.

Submissions (2):

Ambry Genetics
Classification: Pathogenic. Last evaluated: 2026-05-22. Review status: criteria provided, single submitter. Criteria: Ambry Variant Classification Scheme 2023. Collection method: clinical testing. Allele origin: germline.
Comment: The c.2138delC pathogenic mutation, located in coding exon 1 of the MLH3 gene, results from a deletion of one nucleotide at nucleotide position 2138, causing a translational frameshift with a predicted alternate stop codon (p.T713Nfs*21). This alteration is expected to result in loss of function by premature protein truncation or nonsense-mediated mRNA decay. As such, this alteration is interpreted as a disease-causing mutation.

Labcorp Genetics (formerly Invitae), Labcorp
Classification: Uncertain significance for Colorectal cancer, hereditary nonpolyposis, type 7. Last evaluated: 2023-11-23. Review status: criteria provided, single submitter. Criteria: Invitae Variant Classification Sherloc (09022015). Collection method: clinical testing. Allele origin: germline.
Comment: This sequence change creates a premature translational stop signal (p.Thr713Asnfs*21) in the MLH3 gene. It is expected to result in an absent or disrupted protein product. However, the current clinical and genetic evidence is not sufficient to establish whether loss-of-function variants in MLH3 cause disease. This variant is present in population databases (rs774749587, gnomAD 0.005%). This variant has not been reported in the literature in individuals affected with MLH3-related conditions. ClinVar contains an entry for this variant (Variation ID: 412520). In summary, the available evidence is currently insufficient to determine the role of this variant in disease. Therefore, it has been classified as a Variant of Uncertain Significance.